The following is an entry in ClinVar:

ClinVar aggregate classification (germline): Uncertain significance (1 of 4 stars; one submission).

Conditions:
Developmental and epileptic encephalopathy, 54. Also called: Epileptic encephalopathy, early infantile, 54; HNRNPU-Related Neurodevelopmental Disorder. Identifiers: MedGen C4479319, MONDO:0033363, OMIM 617391.

Allele frequency attached by ClinVar (database versions not stated): TOPMed 0.00004.

Submission:

Labcorp Genetics (formerly Invitae), Labcorp
Classification: Uncertain significance for Developmental and epileptic encephalopathy, 54. Last evaluated: 2023-11-22. Review status: criteria provided, single submitter. Criteria: Invitae Variant Classification Sherloc (09022015). Collection method: clinical testing. Allele origin: germline.
Comment: This sequence change replaces asparagine, which is neutral and polar, with threonine, which is neutral and polar, at codon 390 of the HNRNPU protein (p.Asn390Thr). This variant is not present in population databases (gnomAD no frequency). This missense change has been observed in individuals with clinical features of HNRNPU-related conditions (PMID: 35571021; Invitae). This missense change has been observed in at least one individual who was not affected with HNRNPU-related conditions (Invitae). ClinVar contains an entry for this variant (Variation ID: 1022113). Advanced modeling of protein sequence and biophysical properties (such as structural, functional, and spatial information, amino acid conservation, physicochemical variation, residue mobility, and thermodynamic stability) performed at Invitae indicates that this missense variant is expected to disrupt HNRNPU protein function with a positive predictive value of 80%. In summary, the available evidence is currently insufficient to determine the role of this variant in disease. Therefore, it has been classified as a Variant of Uncertain Significance.

Literature cited by the submitters: PubMed 35571021.

NM_031844.3(HNRNPU):c.1169A>C (p.Asn390Thr)

Gene: HNRNPU (heterogeneous nuclear ribonucleoprotein U; minus strand). Cytogenetic location: 1q44.
Variant type: single nucleotide variant.
Coding change: c.1169A>C on transcript NM_031844.3 (MANE Select); coding-DNA position 1169, A replaced by C.
Protein change: p.Asn390Thr; replaces asparagine 390 with threonine.
Molecular consequence: missense variant.
Genome position (GRCh38, 1-based): chr1:244,858,790, T>G on the plus strand (A>C on the coding strand, the complement: HNRNPU is on the minus strand). VCF-style: chr1-244858790-T-G. GRCh37 (hg19) VCF-style: chr1-245022092-T-G.
Other names: c.1112A>C, p.Asn371Thr (NM_004501.3); short protein forms N371T, N390T.
Identifiers: ClinVar variation 1022113 (VCV001022113.47), dbSNP rs200174361, ClinGen allele CA1486544.